The following is an entry in ClinVar:

ClinVar aggregate classification (germline): Likely pathogenic (1 of 4 stars; one submission).

Conditions:
Hereditary cancer-predisposing syndrome. Also called: Hereditary Cancer Syndrome; Hereditary neoplastic syndrome; Neoplastic Syndromes, Hereditary; Tumor predisposition. Identifiers: Orphanet 140162, MedGen C0027672, MeSH D009386, MONDO:0015356.

Allele frequency attached by ClinVar (database versions not stated): gnomAD exomes below 0.00001.
gnomAD v4.1: 3 of 1,614,054 alleles (0.00019%); highest among the groups gnomAD compares: Non-Finnish European, 0.00025%; no homozygotes.

Submission:

Labcorp Genetics (formerly Invitae), Labcorp
Classification: Likely pathogenic for Hereditary cancer-predisposing syndrome. Last evaluated: 2023-04-22. Review status: criteria provided, single submitter. Criteria: Invitae Variant Classification Sherloc (09022015). Collection method: clinical testing. Allele origin: germline.
Comment: In summary, the currently available evidence indicates that the variant is pathogenic, but additional data are needed to prove that conclusively. Therefore, this variant has been classified as Likely Pathogenic. This variant disrupts the ATPase-C domain, which is important for RAD50 ATPase activity (PMID: 10892749, 24894818). While functional studies have not been performed to directly test the effect of this variant on RAD50 protein function, this suggests that disruption of this region of the protein is causative of disease. ClinVar contains an entry for this variant (Variation ID: 408342). This variant has not been reported in the literature in individuals affected with RAD50-related conditions. This variant is present in population databases (no rsID available, gnomAD 0.0009%). This sequence change creates a premature translational stop signal (p.Ser1257*) in the RAD50 gene. While this is not anticipated to result in nonsense mediated decay, it is expected to disrupt the last 56 amino acid(s) of the RAD50 protein.

Literature cited by the submitters: PubMed 10892749; PubMed 24894818.

NM_005732.4(RAD50):c.3770C>A (p.Ser1257Ter)

Genes: TH2LCRR (T helper type 2 locus control region associated RNA; minus strand), RAD50 (RAD50 double strand break repair protein; plus strand), TH2-LCR (Th2 cytokine locus control region; plus strand). Cytogenetic location: 5q31.1.
Variant type: single nucleotide variant.
Coding change: c.3770C>A on transcript NM_005732.4 (MANE Select); coding-DNA position 3770, C replaced by A.
Protein change: p.Ser1257Ter; replaces serine 1257 with a stop codon.
Molecular consequence: nonsense.
Genome position (GRCh38, 1-based): chr5:132,642,195, C>A. VCF-style: chr5-132642195-C-A. GRCh37 (hg19) VCF-style: chr5-131977887-C-A.
Other names: short protein forms S1257*.
Identifiers: ClinVar variation 408342 (VCV000408342.8), dbSNP rs1060501933, ClinGen allele CA16611790.
Genomic context (GRCh38, chr5:132,642,195, plus strand): 5'-TTATGCTCTTTACTAATAATATGTTCTGAATATATTGTTGCAGGATAATAAAAAGTCGCT[C>A]ACAGCAGCGTAACTTCCAGCTTCTGGTAATCACTCATGATGAAGATTTTGTGGAGCTTTT-3'